The following is an entry in ClinVar:

ClinVar aggregate classification (germline): Uncertain significance (1 of 4 stars; one submission).

Allele frequency attached by ClinVar (database versions not stated): gnomAD exomes below 0.00001; gnomAD 0.00001.
gnomAD v4.1: 6 of 1,613,770 alleles (0.00037%); highest among the groups gnomAD compares: African/African-American, 0.0013%; no homozygotes.

Submission:

Labcorp Genetics (formerly Invitae), Labcorp
Classification: Uncertain significance. Last evaluated: 2022-12-06. Review status: criteria provided, single submitter. Criteria: Invitae Variant Classification Sherloc (09022015). Collection method: clinical testing. Allele origin: germline.
Comment: In summary, the available evidence is currently insufficient to determine the role of this variant in disease. Therefore, it has been classified as a Variant of Uncertain Significance. Advanced modeling of protein sequence and biophysical properties (such as structural, functional, and spatial information, amino acid conservation, physicochemical variation, residue mobility, and thermodynamic stability) performed at Invitae indicates that this missense variant is not expected to disrupt HPS6 protein function. ClinVar contains an entry for this variant (Variation ID: 1420585). This variant has not been reported in the literature in individuals affected with HPS6-related conditions. This variant is not present in population databases (gnomAD no frequency). This sequence change replaces arginine, which is basic and polar, with tryptophan, which is neutral and slightly polar, at codon 413 of the HPS6 protein (p.Arg413Trp).

NM_024747.6(HPS6):c.1237C>T (p.Arg413Trp)

Gene: HPS6 (HPS6 biogenesis of lysosomal organelles complex 2 subunit 3; plus strand). Cytogenetic location: 10q24.32.
Variant type: single nucleotide variant.
Coding change: c.1237C>T on transcript NM_024747.6 (MANE Select); coding-DNA position 1237, C replaced by T.
Protein change: p.Arg413Trp; replaces arginine 413 with tryptophan.
Molecular consequence: missense variant.
Genome position (GRCh38, 1-based): chr10:102,066,711, C>T. VCF-style: chr10-102066711-C-T. GRCh37 (hg19) VCF-style: chr10-103826468-C-T.
Other names: short protein forms R413W.
Identifiers: ClinVar variation 1420585 (VCV001420585.6), dbSNP rs2067973152, ClinGen allele CA377865800.